The following is an entry in ClinVar:

ClinVar aggregate classification (germline): Uncertain significance (1 of 4 stars; one submission).

Submission:

Labcorp Genetics (formerly Invitae), Labcorp
Classification: Uncertain significance. Last evaluated: 2022-07-06. Review status: criteria provided, single submitter. Criteria: Invitae Variant Classification Sherloc (09022015). Collection method: clinical testing. Allele origin: germline.
Comment: In summary, the available evidence is currently insufficient to determine the role of this variant in disease. Therefore, it has been classified as a Variant of Uncertain Significance. Advanced modeling of protein sequence and biophysical properties (such as structural, functional, and spatial information, amino acid conservation, physicochemical variation, residue mobility, and thermodynamic stability) performed at Invitae indicates that this missense variant is not expected to disrupt MTOR protein function. This variant has not been reported in the literature in individuals affected with MTOR-related conditions. This variant is not present in population databases (gnomAD no frequency). This sequence change replaces leucine, which is neutral and non-polar, with phenylalanine, which is neutral and non-polar, at codon 1675 of the MTOR protein (p.Leu1675Phe).

NM_004958.4(MTOR):c.5025G>C (p.Leu1675Phe)

Gene: MTOR (mechanistic target of rapamycin kinase; minus strand). Cytogenetic location: 1p36.22.
Variant type: single nucleotide variant.
Coding change: c.5025G>C on transcript NM_004958.4 (MANE Select); coding-DNA position 5025, G replaced by C.
Protein change: p.Leu1675Phe; replaces leucine 1675 with phenylalanine.
Molecular consequence: missense variant.
Genome position (GRCh38, 1-based): chr1:11,139,409, C>G on the plus strand (G>C on the coding strand, the complement: MTOR is on the minus strand). VCF-style: chr1-11139409-C-G. GRCh37 (hg19) VCF-style: chr1-11199466-C-G.
Other names: c.5025G>C, p.Leu1675Phe (NM_001386500.1); c.3777G>C, p.Leu1259Phe (NM_001386501.1); short protein forms L1675F, L1259F.
Identifiers: ClinVar variation 2054334 (VCV002054334.4), dbSNP rs2522429213, ClinGen allele CA338401994.